The following is an entry in ClinVar:

NM_001330360.2(POLA1):c.83G>C (p.Arg28Pro)

Gene: POLA1 (DNA polymerase alpha 1, catalytic subunit; plus strand). Cytogenetic location: Xp22.11.
Variant type: single nucleotide variant.
Coding change: c.83G>C on transcript NM_001330360.2 (MANE Select); coding-DNA position 83, G replaced by C.
Protein change: p.Arg28Pro; replaces arginine 28 with proline.
Molecular consequence: missense variant. On other transcripts: non-coding transcript variant (2).
Genome position (GRCh38, 1-based): chrX:24,699,464, G>C. VCF-style: chrX-24699464-G-C. GRCh37 (hg19) VCF-style: chrX-24717581-G-C.
Other names: c.83G>C, p.Arg28Pro (NM_001378303.1); c.65G>C, p.Arg22Pro (NM_016937.4); short protein forms R22P, R28P.
Identifiers: ClinVar variation 3608347 (VCV003608347.2).

ClinVar aggregate classification (germline): Uncertain significance (1 of 4 stars; one submission).

gnomAD v4.1: 5 of 1,181,389 alleles (0.00042%); highest among the groups gnomAD compares: Non-Finnish European, 0.00057%; no homozygotes.

Submission:

Labcorp Genetics (formerly Invitae), Labcorp
Classification: Uncertain significance. Last evaluated: 2024-04-16. Review status: criteria provided, single submitter. Criteria: Invitae Variant Classification Sherloc (09022015). Collection method: clinical testing. Allele origin: germline.
Comment: This sequence change replaces arginine, which is basic and polar, with proline, which is neutral and non-polar, at codon 22 of the POLA1 protein (p.Arg22Pro). This variant is not present in population databases (gnomAD no frequency). This variant has not been reported in the literature in individuals affected with POLA1-related conditions. An algorithm developed to predict the effect of missense changes on protein structure and function (PolyPhen-2) suggests that this variant is likely to be disruptive. In summary, the available evidence is currently insufficient to determine the role of this variant in disease. Therefore, it has been classified as a Variant of Uncertain Significance.